The following is an entry in ClinVar:

ClinVar aggregate classification (germline): Uncertain significance (1 of 4 stars; one submission).

Submission:

ISCA site 14
Classification: Uncertain significance. Last evaluated: 2011-08-12. Review status: criteria provided, single submitter. Criteria: Kaminsky et al. (Genet Med. 2011). Collection method: clinical testing. Allele origin: maternal. Affected: yes. Observed: 1 variant allele.
Comment: Copy number variation identified through the course of routine clinical cytogenomic testing in postnatal populations. Clinical assertions have been curated as described in Kaminsky et al. 2011.

GRCh38/hg38 Xq21.2-21.31(chrX:86903959-87454809)x2

Gene: LOC126863287 (MED14-independent group 3 enhancer GRCh37_chrX:86520149-86521348; plus strand). Cytogenetic location: Xq21.2-21.31.
Variant type: copy number gain.
Change: copy number 2 of chrX:86,903,959-87,454,809 (550.9 kb, GRCh38 coordinates, 1-based), cytogenetic band Xq21.2-21.31.
Identifiers: ClinVar variation 60338 (VCV000060338.1).